The following is an entry in ClinVar:

NM_000158.4(GBE1):c.1315A>G (p.Ile439Val)

Gene: GBE1 (1,4-alpha-glucan branching enzyme 1; minus strand). Cytogenetic location: 3p12.2.
Variant type: single nucleotide variant.
Coding change: c.1315A>G on transcript NM_000158.4 (MANE Select); coding-DNA position 1315, A replaced by G.
Protein change: p.Ile439Val; replaces isoleucine 439 with valine.
Molecular consequence: missense variant.
Genome position (GRCh38, 1-based): chr3:81,586,112, T>C on the plus strand (A>G on the coding strand, the complement: GBE1 is on the minus strand). VCF-style: chr3-81586112-T-C. GRCh37 (hg19) VCF-style: chr3-81635263-T-C.
Other names: short protein forms I439V.
Identifiers: ClinVar variation 1525549 (VCV001525549.4), dbSNP rs1357214851, ClinGen allele CA353685252.

ClinVar aggregate classification (germline): Uncertain significance (1 of 4 stars; one submission).

Conditions:
Glycogen storage disease, type IV (GSD4). Also called: Glycogen storage disease due to glycogen branching enzyme deficiency; AMYLOPECTINOSIS; ANDERSEN DISEASE; BRANCHER DEFICIENCY; CIRRHOSIS, FAMILIAL, WITH DEPOSITION OF ABNORMAL GLYCOGEN; GBE1 DEFICIENCY. Identifiers: Orphanet 367, MedGen C0017923, MONDO:0009292, OMIM 232500.
Glycogen storage disease IV, classic hepatic. Also called: GSD IV, CLASSIC HEPATIC. Identifiers: MedGen C1856301.

Allele frequency attached by ClinVar (database versions not stated): gnomAD exomes below 0.00001.
gnomAD v4.1: 5 of 1,608,480 alleles (0.00031%); highest among the groups gnomAD compares: Non-Finnish European, 0.00042%; no homozygotes.

Submission:

Labcorp Genetics (formerly Invitae), Labcorp
Classification: Uncertain significance for Glycogen storage disease, type IV; Glycogen storage disease IV, classic hepatic. Last evaluated: 2021-11-12. Review status: criteria provided, single submitter. Criteria: Invitae Variant Classification Sherloc (09022015). Collection method: clinical testing. Allele origin: germline.
Comment: In summary, the available evidence is currently insufficient to determine the role of this variant in disease. Therefore, it has been classified as a Variant of Uncertain Significance. Advanced modeling of protein sequence and biophysical properties (such as structural, functional, and spatial information, amino acid conservation, physicochemical variation, residue mobility, and thermodynamic stability) performed at Invitae indicates that this missense variant is not expected to disrupt GBE1 protein function. This variant has not been reported in the literature in individuals affected with GBE1-related conditions. This sequence change replaces isoleucine, which is neutral and non-polar, with valine, which is neutral and non-polar, at codon 439 of the GBE1 protein (p.Ile439Val). This variant is present in population databases (no rsID available, gnomAD 0.0009%).